The following is an entry in ClinVar:

NM_003052.5(SLC34A1):c.189del (p.Cys64fs)

Gene: SLC34A1 (solute carrier family 34 member 1; plus strand). Cytogenetic location: 5q35.3.
Variant type: Deletion.
Coding change: c.189del on transcript NM_003052.5 (MANE Select); coding-DNA position 189, one base deleted (C; older notation c.189delC).
Protein change: p.Cys64fs; shifts the reading frame from cysteine 64.
Molecular consequence: frameshift variant.
Genome position (GRCh38, 1-based): chr5:177,386,066, C deleted; the last of 4 consecutive C bases (chr5:177,386,063-177,386,066); deleting any one gives the same sequence. VCF-style (leftmost placement, unchanged base first): chr5-177386062-GC-G. GRCh37 (hg19) VCF-style: chr5-176813063-GC-G.
Other names: c.189del, p.Cys64fs (NM_001167579.2); short protein forms C64fs.
Identifiers: ClinVar variation 3068343 (VCV003068343.2), dbSNP rs2481008620, ClinGen allele CA2578496565.

ClinVar aggregate classification (germline): Pathogenic/Likely pathogenic. Review status: criteria provided, multiple submitters, no conflicts (2 of 4 stars). 2 submissions from 2 submitters: Pathogenic (1); Likely pathogenic (1). Last evaluated 2026-07-28.

Conditions:
Hypercalcemia, infantile, 2 (HCINF2). Identifiers: Orphanet 300547, MedGen C4310473, MONDO:0014851, OMIM 616963.
Hypophosphatemic nephrolithiasis/osteoporosis 1. Identifiers: Orphanet 244305, MedGen C2676786, MONDO:0012850, OMIM 612286.

Submissions (2):

Department of Medical Genetics, Ordu University Medical School Training and Research Hospital
Classification: Pathogenic for Infantile hypercalcemia 2. Last evaluated: 2026-07-28. Review status: criteria provided, single submitter. Criteria: ACMG Guidelines, 2015. Collection method: clinical testing. Allele origin: unknown. Inheritance: Autosomal recessive inheritance. Affected: no. Observed: 1 variant allele, 1 heterozygote.
Comment: Frameshift variant, p.Cys64fs, in exon 3 of 13. The resulting premature termination codon lies well upstream of the 3'-terminal exon-exon junction and the transcript is predicted to undergo nonsense-mediated decay; biallelic loss of function of SLC34A1 causes autosomal recessive infantile hypercalcemia 2 (PVS1). ClinVar contains an existing likely pathogenic classification for this variant (VCV003068343).

MVZ Medizinische Genetik Mainz
Classification: Likely pathogenic for Hypophosphatemic nephrolithiasis/osteoporosis 1. Last evaluated: 2023-07-05. Review status: criteria provided, single submitter. Criteria: UK Practice Guidelines For Variant Classification V4 01 2020. Collection method: clinical testing. Allele origin: germline. Inheritance: Autosomal recessive inheritance. Affected: yes. Observed: 1 variant allele.
Comment: ACMG Criteria: PVS1,PM2_SUP